The following is an entry in ClinVar:

ClinVar aggregate classification (germline): Uncertain significance. Review status: criteria provided, multiple submitters, no conflicts (2 of 4 stars). 2 submissions from 2 submitters: Uncertain significance (2). Last evaluated 2025-12-22.

Allele frequency attached by ClinVar (database versions not stated): gnomAD 0.00002; TOPMed 0.00002; gnomAD exomes 0.00003.
gnomAD v4.1: 48 of 1,614,086 alleles (0.003%); highest among the groups gnomAD compares: Non-Finnish European, 0.004%; no homozygotes.

Submissions (2):

Labcorp Genetics (formerly Invitae), Labcorp
Classification: Uncertain significance. Last evaluated: 2025-12-22. Review status: criteria provided, single submitter. Criteria: Invitae Variant Classification Sherloc (09022015). Collection method: clinical testing. Allele origin: germline.
Comment: This sequence change replaces alanine, which is neutral and non-polar, with glycine, which is neutral and non-polar, at codon 1626 of the COL4A1 protein (p.Ala1626Gly). This variant is present in population databases (no rsID available, gnomAD 0.002%). This variant has not been reported in the literature in individuals affected with COL4A1-related conditions. ClinVar contains an entry for this variant (Variation ID: 2085661). Invitae Evidence Modeling of protein sequence and biophysical properties (such as structural, functional, and spatial information, amino acid conservation, physicochemical variation, residue mobility, and thermodynamic stability) indicates that this missense variant is not expected to disrupt COL4A1 protein function with a negative predictive value of 95%. In summary, the available evidence is currently insufficient to determine the role of this variant in disease. Therefore, it has been classified as a Variant of Uncertain Significance.

GeneDx
Classification: Uncertain significance. Last evaluated: 2022-10-17. Review status: criteria provided, single submitter. Criteria: GeneDx Variant Classification Process June 2021. Collection method: clinical testing. Allele origin: germline. Affected: yes.
Comment: Identified in a patient with brain small-vessel disease and two episodes of spontaneous coronary artery dissection (SCAD) in published literature (Tarr et al., 2022); this patient also harbored additional variants in connective tissue disorder genes; In silico analysis supports that this missense variant has a deleterious effect on protein structure/function; This variant is associated with the following publications: (PMID: 35583931)

NM_001845.6(COL4A1):c.4877C>G (p.Ala1626Gly)

Gene: COL4A1 (collagen type IV alpha 1 chain; minus strand). Cytogenetic location: 13q34.
Variant type: single nucleotide variant.
Coding change: c.4877C>G on transcript NM_001845.6 (MANE Select); coding-DNA position 4877, C replaced by G.
Protein change: p.Ala1626Gly; replaces alanine 1626 with glycine.
Molecular consequence: missense variant.
Genome position (GRCh38, 1-based): chr13:110,152,385, G>C on the plus strand (C>G on the coding strand, the complement: COL4A1 is on the minus strand). VCF-style: chr13-110152385-G-C. GRCh37 (hg19) VCF-style: chr13-110804732-G-C.
Other names: c.4877C>G (NM_001845.4); short protein forms A1626G.
Identifiers: ClinVar variation 2085661 (VCV002085661.5), dbSNP rs1382705339, ClinGen allele CA388654201.